The following is an entry in ClinVar:

ClinVar aggregate classification (germline): Uncertain significance (1 of 4 stars; one submission).

Allele frequency attached by ClinVar (database versions not stated): TOPMed below 0.00001.

Submission:

Labcorp Genetics (formerly Invitae), Labcorp
Classification: Uncertain significance. Last evaluated: 2021-11-28. Review status: criteria provided, single submitter. Criteria: Invitae Variant Classification Sherloc (09022015). Collection method: clinical testing. Allele origin: germline.
Comment: This variant is not present in population databases (gnomAD no frequency). Algorithms developed to predict the effect of missense changes on protein structure and function are either unavailable or do not agree on the potential impact of this missense change (SIFT: "Deleterious"; PolyPhen-2: "Probably Damaging"; Align-GVGD: "Class C15"). This variant has not been reported in the literature in individuals affected with ENPP1-related conditions. This sequence change replaces glycine, which is neutral and non-polar, with arginine, which is basic and polar, at codon 805 of the ENPP1 protein (p.Gly805Arg). In summary, the available evidence is currently insufficient to determine the role of this variant in disease. Therefore, it has been classified as a Variant of Uncertain Significance. Algorithms developed to predict the effect of sequence changes on RNA splicing suggest that this variant may create or strengthen a splice site.

NM_006208.3(ENPP1):c.2413G>A (p.Gly805Arg)

Gene: ENPP1 (ectonucleotide pyrophosphatase/phosphodiesterase 1; plus strand). Cytogenetic location: 6q23.2.
Variant type: single nucleotide variant.
Coding change: c.2413G>A on transcript NM_006208.3 (MANE Select); coding-DNA position 2413, G replaced by A.
Protein change: p.Gly805Arg; replaces glycine 805 with arginine.
Molecular consequence: missense variant.
Genome position (GRCh38, 1-based): chr6:131,885,032, G>A. VCF-style: chr6-131885032-G-A. GRCh37 (hg19) VCF-style: chr6-132206172-G-A.
Other names: short protein forms G805R.
Identifiers: ClinVar variation 1491534 (VCV001491534.6), dbSNP rs1274938315, ClinGen allele CA365656412.